The following is an entry in ClinVar:

NM_004586.3(RPS6KA3):c.631+12dup

Gene: RPS6KA3 (ribosomal protein S6 kinase A3; minus strand). Cytogenetic location: Xp22.12.
Variant type: Duplication.
Coding change: c.631+12dup on transcript NM_004586.3 (MANE Select); 12 bases into the intron after coding-DNA position 631, one base duplicated (A; older notation c.631+12dupA).
Molecular consequence: intron variant.
Genome position (GRCh38, 1-based): chrX:20,188,485, T duplicated on the plus strand (A on the coding strand, the reverse complement: RPS6KA3 is on the minus strand); the first of 10 consecutive T bases (chrX:20,188,485-20,188,494); duplicating any one gives the same sequence. VCF-style (leftmost placement, unchanged base first): chrX-20188484-A-AT. GRCh37 (hg19) VCF-style: chrX-20206602-A-AT.
Identifiers: ClinVar variation 1598775 (VCV001598775.38), dbSNP rs751517771, ClinGen allele CA10366239.

ClinVar aggregate classification (germline): Benign/Likely benign. Review status: criteria provided, multiple submitters, no conflicts (2 of 4 stars). 3 submissions from 3 submitters: Benign (1); Likely benign (2). Last evaluated 2025-12-01.

Conditions:
Intellectual developmental disorder, X-linked 19. Also called: Intellectual disability, X-linked 19. Identifiers: Orphanet 777, MedGen C0796225, MONDO:0010447, OMIM 300844.
Coffin-Lowry syndrome (CLS). Also called: COFFIN-LOWRY SYNDROME, MILD; Mental retardation with osteocartilaginous abnormalities. Identifiers: Orphanet 192, MedGen C0265252, MONDO:0010561, OMIM 303600.

Submissions (3):

Labcorp Genetics (formerly Invitae), Labcorp
Classification: Benign for Coffin-Lowry syndrome; Intellectual developmental disorder, X-linked 19. Last evaluated: 2025-12-01. Review status: criteria provided, single submitter. Criteria: Invitae Variant Classification Sherloc (09022015). Collection method: clinical testing. Allele origin: germline.

Blueprint Genetics
Classification: Likely benign. Last evaluated: 2024-11-24. Review status: criteria provided, single submitter. Criteria: ACMG Guidelines, 2015. Collection method: clinical testing. Allele origin: germline.

CeGaT Center for Human Genetics Tuebingen
Classification: Likely benign. Last evaluated: 2024-09-01. Review status: criteria provided, single submitter. Criteria: CeGaT Center For Human Genetics Tuebingen Variant Classification Criteria Version 2. Collection method: clinical testing. Allele origin: germline. Affected: yes. Observed: 3 variant alleles.
Comment: RPS6KA3: BS2